The following is an entry in ClinVar:

NM_012210.4(TRIM32):c.1488C>G (p.Phe496Leu)

Genes: ASTN2 (astrotactin 2; minus strand), TRIM32 (tripartite motif containing 32; plus strand). Cytogenetic location: 9q33.1.
Variant type: single nucleotide variant.
Coding change: c.1488C>G on transcript NM_012210.4 (MANE Select); coding-DNA position 1488, C replaced by G.
Protein change: p.Phe496Leu; replaces phenylalanine 496 with leucine.
Molecular consequence: missense variant. On other transcripts: intron variant (3).
Genome position (GRCh38, 1-based): chr9:116,699,230, C>G. VCF-style: chr9-116699230-C-G. GRCh37 (hg19) VCF-style: chr9-119461509-C-G.
Other names: c.1488C>G, p.Phe496Leu (NM_001099679.2, NM_001379048.1, NM_001379049.1 and 1 more transcripts); c.2653+26541G>C (NM_014010.5); c.2794+26541G>C (NM_001365069.1); c.2806+26541G>C (NM_001365068.1); short protein forms F496L.
Identifiers: ClinVar variation 574734 (VCV000574734.12), dbSNP rs371233848, ClinGen allele CA5211156.

ClinVar aggregate classification (germline): Uncertain significance. Review status: criteria provided, multiple submitters, no conflicts (2 of 4 stars). 4 submissions from 4 submitters: Uncertain significance (3). 1 of the submissions does not count toward it. Last evaluated 2025-02-27.

Conditions:
TRIM32-related disorder. Also called: TRIM32-related condition.
Bardet-Biedl syndrome 11 (BBS11). Identifiers: Orphanet 110, MedGen C1859569, MONDO:0014439, OMIM 615988.
Sarcotubular myopathy (LGMDR8). Also called: Autosomal recessive limb-girdle muscular dystrophy type 2H; MUSCULAR DYSTROPHY, LIMB-GIRDLE, AUTOSOMAL RECESSIVE 8; Limb-girdle muscular dystrophy, type 2H; Hutterite type of muscular dystrophy. Identifiers: Orphanet 1878, MedGen C0270968, MONDO:0009683, OMIM 254110.
Bardet-Biedl syndrome (BBS). Identifiers: Orphanet 110, MedGen C0752166, MONDO:0015229.

Allele frequency attached by ClinVar (database versions not stated): gnomAD exomes 0.00001; ESP Exome Variant Server 0.00008; ExAC 0.00001; TOPMed 0.00005.
gnomAD v4.1: 46 of 1,614,114 alleles (0.0028%); highest among the groups gnomAD compares: Non-Finnish European, 0.0038%; no homozygotes.

Submissions (4):

Labcorp Genetics (formerly Invitae), Labcorp
Classification: Uncertain significance for Bardet-Biedl syndrome. Last evaluated: 2025-02-27. Review status: criteria provided, single submitter. Criteria: Invitae Variant Classification Sherloc (09022015). Collection method: clinical testing. Allele origin: germline.
Comment: This sequence change replaces phenylalanine, which is neutral and non-polar, with leucine, which is neutral and non-polar, at codon 496 of the TRIM32 protein (p.Phe496Leu). This variant is present in population databases (rs371233848, gnomAD 0.002%). This variant has not been reported in the literature in individuals affected with TRIM32-related conditions. ClinVar contains an entry for this variant (Variation ID: 574734). An algorithm developed to predict the effect of missense changes on protein structure and function (PolyPhen-2) suggests that this variant is likely to be tolerated. In summary, the available evidence is currently insufficient to determine the role of this variant in disease. Therefore, it has been classified as a Variant of Uncertain Significance.

Fulgent Genetics
Classification: Uncertain significance for Sarcotubular myopathy; Bardet-Biedl syndrome 11. Last evaluated: 2022-02-11. Review status: criteria provided, single submitter. Criteria: ACMG Guidelines, 2015. Collection method: clinical testing. Allele origin: unknown.

Revvity Omics, Revvity
Classification: Uncertain significance. Last evaluated: 2019-05-03. Review status: criteria provided, single submitter. Criteria: ACMG Guidelines, 2015. Collection method: clinical testing. Allele origin: germline.

PreventionGenetics, part of Exact Sciences
Classification: Uncertain significance for TRIM32-related condition. Last evaluated: 2024-05-28. Review status: no assertion criteria provided. Collection method: clinical testing. Allele origin: germline. Not counted in ClinVar's aggregate classification.
Comment: The TRIM32 c.1488C>G variant is predicted to result in the amino acid substitution p.Phe496Leu. To our knowledge, this variant has not been reported in the literature. This variant is reported in 0.0023% of alleles in individuals of European (Non-Finnish) descent in gnomAD. At this time, the clinical significance of this variant is uncertain due to the absence of conclusive functional and genetic evidence.